The following is an entry in ClinVar:

NM_147127.5(EVC2):c.48G>T (p.Gly16=)

Gene: EVC2 (EvC ciliary complex subunit 2; minus strand). Cytogenetic location: 4p16.2.
Variant type: single nucleotide variant.
Coding change: c.48G>T on transcript NM_147127.5 (MANE Select); coding-DNA position 48, G replaced by T.
Protein change: p.Gly16=; no amino-acid change (glycine 16 retained).
Molecular consequence: synonymous variant. On other transcripts: intron variant (1).
Genome position (GRCh38, 1-based): chr4:5,708,466, C>A on the plus strand (G>T on the coding strand, the complement: EVC2 is on the minus strand). VCF-style: chr4-5708466-C-A. GRCh37 (hg19) VCF-style: chr4-5710193-C-A.
Other names: c.-13+363G>T (NM_001166136.2).
Identifiers: ClinVar variation 715068 (VCV000715068.10), dbSNP rs537265864, ClinGen allele CA91731622.

ClinVar aggregate classification (germline): Likely benign. Review status: criteria provided, multiple submitters, no conflicts (2 of 4 stars). 2 submissions from 2 submitters: Likely benign (2). Last evaluated 2026-01-20.

Conditions:
EVC2-related disorder. Also called: EVC2-related condition.
Curry-Hall syndrome (WAD). Also called: WEYERS ACRODENTAL DYSOSTOSIS. Identifiers: Orphanet 952, MedGen C0457013, MONDO:0008673, OMIM 193530.
Ellis-van Creveld syndrome (EVC). Also called: MESOECTODERMAL DYSPLASIA; Chondroectodermal dysplasia. Identifiers: Orphanet 289, MedGen C0013903, MONDO:0009162, OMIM 225500.

Allele frequency attached by ClinVar (database versions not stated): gnomAD exomes 0.00002 and 0.00003; 1000 Genomes Project 0.00020; TOPMed 0.00029; 1000 Genomes Project 30x 0.00031; gnomAD 0.00032 and 0.00033.
gnomAD v4.1: 90 of 1,505,094 alleles (0.006%); highest among the groups gnomAD compares: African/African-American, 0.12%; no homozygotes.

Submissions (2):

Labcorp Genetics (formerly Invitae), Labcorp
Classification: Likely benign for Curry-Hall syndrome; Ellis-van Creveld syndrome. Last evaluated: 2026-01-20. Review status: criteria provided, single submitter. Criteria: Invitae Variant Classification Sherloc (09022015). Collection method: clinical testing. Allele origin: germline.

PreventionGenetics, part of Exact Sciences
Classification: Likely benign for EVC2-related condition. Last evaluated: 2024-12-12. Review status: criteria provided, single submitter. Criteria: ACMG Guidelines, 2015. Collection method: clinical testing. Allele origin: germline.
Comment: This variant is classified as likely benign based on ACMG/AMP sequence variant interpretation guidelines (Richards et al. 2015 PMID: 25741868, with internal and published modifications).